The following is an entry in ClinVar:

ClinVar aggregate classification (germline): Uncertain significance (1 of 4 stars; one submission).

Conditions:
Long QT syndrome (LQTS). Identifiers: MedGen C0023976, MeSH D008133, MONDO:0002442. Disease mechanism: loss of function. Inheritance: Various modes of inheritance.

Submission:

Labcorp Genetics (formerly Invitae), Labcorp
Classification: Uncertain significance for Long QT syndrome. Last evaluated: 2023-07-17. Review status: criteria provided, single submitter. Criteria: Invitae Variant Classification Sherloc (09022015). Collection method: clinical testing. Allele origin: germline.
Comment: In summary, the available evidence is currently insufficient to determine the role of this variant in disease. Therefore, it has been classified as a Variant of Uncertain Significance. Algorithms developed to predict the effect of sequence changes on RNA splicing suggest that this variant may disrupt the consensus splice site. This variant has not been reported in the literature in individuals affected with ANK2-related conditions. This variant is not present in population databases (gnomAD no frequency). This sequence change affects codon 481 of the ANK2 mRNA. It is a 'silent' change, meaning that it does not change the encoded amino acid sequence of the ANK2 protein.

NM_001148.6(ANK2):c.1441C>A (p.Arg481=)

Gene: ANK2 (ankyrin 2; plus strand). Cytogenetic location: 4q26.
Variant type: single nucleotide variant.
Coding change: c.1441C>A on transcript NM_001148.6 (MANE Select); coding-DNA position 1441, C replaced by A.
Protein change: p.Arg481=; no amino-acid change (arginine 481 retained).
Molecular consequence: synonymous variant.
Genome position (GRCh38, 1-based): chr4:113,264,951, C>A. VCF-style: chr4-113264951-C-A. GRCh37 (hg19) VCF-style: chr4-114186107-C-A.
Other names: c.1378C>A, p.Arg460= (NM_001127493.3, NM_001354239.2, NM_001354243.2 and 14 more transcripts); c.1441C>A, p.Arg481= (NM_001354225.2, NM_001354228.2, NM_001354232.2 and 8 more transcripts); c.1486C>A, p.Arg496= (NM_001354230.2, NM_001354231.2, NM_001354237.2 and 5 more transcripts); c.1354C>A, p.Arg452= (NM_001354249.2, NM_001354260.2, NM_001354264.2 and 13 more transcripts); c.1399C>A, p.Arg467= (NM_001354261.2, NM_001386160.1, NM_001386147.1); c.1156C>A, p.Arg386= (NM_001386157.1, NM_001386158.1, NM_001354277.2); c.1492C>A, p.Arg498= (NM_001386174.1); c.1468C>A, p.Arg490= (NM_001386175.1); and 4 more.
Identifiers: ClinVar variation 2882840 (VCV002882840.3), dbSNP rs1244463519, ClinGen allele CA440838502.